The following is an entry in ClinVar:

NM_013254.4(TBK1):c.1887G>C (p.Gln629His)

Gene: TBK1 (TANK binding kinase 1; plus strand). Cytogenetic location: 12q14.2.
Variant type: single nucleotide variant.
Coding change: c.1887G>C on transcript NM_013254.4 (MANE Select); coding-DNA position 1887, G replaced by C.
Protein change: p.Gln629His; replaces glutamine 629 with histidine.
Molecular consequence: missense variant.
Genome position (GRCh38, 1-based): chr12:64,497,187, G>C. VCF-style: chr12-64497187-G-C. GRCh37 (hg19) VCF-style: chr12-64890967-G-C.
Other names: short protein forms Q629H.
Identifiers: ClinVar variation 968673 (VCV000968673.8), dbSNP rs752047246, ClinGen allele CA6669189.

ClinVar aggregate classification (germline): Uncertain significance. Review status: criteria provided, multiple submitters, no conflicts (2 of 4 stars). 2 submissions from 2 submitters: Uncertain significance (2). Last evaluated 2024-12-15.

Conditions:
Frontotemporal dementia and/or amyotrophic lateral sclerosis 4. Also called: FTDALS4. Identifiers: Orphanet 275872, MedGen C4225325, MONDO:0014641, OMIM 616439.

Allele frequency attached by ClinVar (database versions not stated): gnomAD exomes below 0.00001; ExAC 0.00001.
gnomAD v4.1: 7 of 1,600,618 alleles (0.00044%); highest among the groups gnomAD compares: African/African-American, 0.0013%; no homozygotes.

Submissions (2):

Labcorp Genetics (formerly Invitae), Labcorp
Classification: Uncertain significance for Frontotemporal dementia and/or amyotrophic lateral sclerosis 4. Last evaluated: 2024-12-15. Review status: criteria provided, single submitter. Criteria: Invitae Variant Classification Sherloc (09022015). Collection method: clinical testing. Allele origin: germline.
Comment: This sequence change replaces glutamine, which is neutral and polar, with histidine, which is basic and polar, at codon 629 of the TBK1 protein (p.Gln629His). This variant is present in population databases (rs752047246, gnomAD 0.0009%). This variant has not been reported in the literature in individuals affected with TBK1-related conditions. ClinVar contains an entry for this variant (Variation ID: 968673). Invitae Evidence Modeling of protein sequence and biophysical properties (such as structural, functional, and spatial information, amino acid conservation, physicochemical variation, residue mobility, and thermodynamic stability) indicates that this missense variant is not expected to disrupt TBK1 protein function with a negative predictive value of 95%. In summary, the available evidence is currently insufficient to determine the role of this variant in disease. Therefore, it has been classified as a Variant of Uncertain Significance.

Women's Health and Genetics/Laboratory Corporation of America, LabCorp
Classification: Uncertain significance. Last evaluated: 2024-04-15. Review status: criteria provided, single submitter. Criteria: LabCorp Variant Classification Summary - May 2015. Collection method: clinical testing. Allele origin: germline.
Comment: Variant summary: TBK1 c.1887G>C (p.Gln629His) results in a non-conservative amino acid change located in the TANK-binding kinase 1, coiled-coil domain 1 (IPR041309) of the encoded protein sequence. Three of five in-silico tools predict a benign effect of the variant on protein function. The variant allele was found at a frequency of 4.1e-06 in 244366 control chromosomes. The available data on variant occurrences in the general population are insufficient to allow any conclusion about variant significance. To our knowledge, no occurrence of c.1887G>C in individuals affected with Frontotemporal Dementia And/or Amyotrophic Lateral Sclerosis 4 and no experimental evidence demonstrating its impact on protein function have been reported. ClinVar contains an entry for this variant (Variation ID: 968673). Based on the evidence outlined above, the variant was classified as uncertain significance.